The following is an entry in ClinVar:

ClinVar aggregate classification (germline): Pathogenic (1 of 4 stars; one submission).

Submission:

GeneDx
Classification: Pathogenic. Last evaluated: 2026-03-19. Review status: criteria provided, single submitter. Criteria: GeneDx Variant Classification Process June 2021. Collection method: clinical testing. Allele origin: germline.
Comment: Canonical splice site variant predicted to result in a null allele in a gene for which loss of function is a known mechanism of disease; Not observed at significant frequency in large population cohorts (gnomAD); Has not been previously published as pathogenic or benign to our knowledge

NM_001041.4(SI):c.3255-2A>G

Gene: SI (sucrase-isomaltase; minus strand). Cytogenetic location: 3q26.1.
Variant type: single nucleotide variant.
Coding change: c.3255-2A>G on transcript NM_001041.4 (MANE Select); the canonical splice acceptor site of the intron before coding-DNA position 3255, A replaced by G.
Molecular consequence: splice acceptor variant.
Genome position (GRCh38, 1-based): chr3:165,019,772, T>C on the plus strand (A>G on the coding strand, the complement: SI is on the minus strand). VCF-style: chr3-165019772-T-C. GRCh37 (hg19) VCF-style: chr3-164737560-T-C.
Identifiers: ClinVar variation 5008740 (VCV005008740.1).